The following is an entry in ClinVar:

NM_000443.4(ABCB4):c.2397C>G (p.Asp799Glu)

Gene: ABCB4 (ATP binding cassette subfamily B member 4; minus strand). Cytogenetic location: 7q21.12.
Variant type: single nucleotide variant.
Coding change: c.2397C>G on transcript NM_000443.4 (MANE Select); coding-DNA position 2397, C replaced by G.
Protein change: p.Asp799Glu; replaces aspartic acid 799 with glutamic acid.
Molecular consequence: missense variant.
Genome position (GRCh38, 1-based): chr7:87,418,618, G>C on the plus strand (C>G on the coding strand, the complement: ABCB4 is on the minus strand). VCF-style: chr7-87418618-G-C. GRCh37 (hg19) VCF-style: chr7-87047934-G-C.
Other names: c.2397C>G, p.Asp799Glu (NM_018849.3, NM_018850.3); short protein forms D799E.
Identifiers: ClinVar variation 4990604 (VCV004990604.1).
Genomic context (GRCh38, chr7:87,418,618, plus strand): 5'-TGTGGCAAGTCTTGTAGAAAGTGCACCAGTACTGTTTTTATGGTCATCAAACCAGCTCAT[G>C]TCCTATGGCATAAAATACACGTTTATGTTAGTTCAAAATTAAAACAAGCAAAGAAAACCA-3'
Protein context (NP_000434.1, residues 789-809): SMAFKAMLRQ[Asp799Glu]MSWFDDHKNS

ClinVar aggregate classification (germline): Uncertain significance (1 of 4 stars; one submission).

Conditions:
ABCB4-related disorder. Also called: ABCB4-related disorders; ABCB4-related condition.

gnomAD v4.1: 10 of 1,613,982 alleles (0.00062%); highest among the groups gnomAD compares: Non-Finnish European, 0.00085%; no homozygotes.

Submission:

PreventionGenetics, part of Exact Sciences
Classification: Uncertain significance for ABCB4-related condition. Last evaluated: 2026-06-11. Review status: criteria provided, single submitter. Criteria: ACMG Guidelines, 2015. Collection method: clinical testing. Allele origin: germline.
Comment: The ABCB4 c.2397C>G variant is predicted to result in the amino acid substitution p.Asp799Glu. To our knowledge, this variant has not been reported in the literature. This variant is reported in 0.00088% of alleles in individuals of European (Non-Finnish) descent in gnomAD. At this time, the clinical significance of this variant is uncertain due to the absence of conclusive functional and genetic evidence.